The following is an entry in ClinVar:

NM_005609.4(PYGM):c.922del (p.Ile308fs)

Gene: PYGM (glycogen phosphorylase, muscle associated; minus strand). Cytogenetic location: 11q13.1.
Variant type: Deletion.
Coding change: c.922del on transcript NM_005609.4 (MANE Select); coding-DNA position 922, one base deleted (A; older notation c.922delA).
Protein change: p.Ile308fs; shifts the reading frame from isoleucine 308.
Molecular consequence: frameshift variant.
Genome position (GRCh38, 1-based): chr11:64,754,770, T deleted on the plus strand (A on the coding strand, the reverse complement: PYGM is on the minus strand). VCF-style (leftmost placement, unchanged base first): chr11-64754769-AT-A. GRCh37 (hg19) VCF-style: chr11-64522241-AT-A.
Other names: c.922delA (NM_005609.3); c.658del, p.Ile220fs (NM_001164716.1); short protein forms I220fs, I308fs.
Identifiers: ClinVar variation 2852019 (VCV002852019.4), dbSNP rs1406496254, ClinGen allele CA679274475.
Genomic context (GRCh38, chr11:64,754,769, plus strand): 5'-TCGAAGTTCGTGCGCACGGGATCACGGCAGCCGAACTTGGAAGACTTGAAGCGACGGATG[AT>A]GTCCTGGAGGGTGGCAGCCACCACGAAATACTCCTGCTTCAGCCGCAGCTCCTTCCCTTC-3'

ClinVar aggregate classification (germline): Pathogenic/Likely pathogenic. Review status: criteria provided, multiple submitters, no conflicts (2 of 4 stars). 2 submissions from 2 submitters: Pathogenic (1); Likely pathogenic (1). Last evaluated 2025-03-22.

Conditions:
Glycogen storage disease, type V (GSD5). Also called: MCARDLE DISEASE; MUSCLE GLYCOGEN PHOSPHORYLASE DEFICIENCY; MYOPHOSPHORYLASE DEFICIENCY; PYGM DEFICIENCY; McArdle type glycogen storage disease. Identifiers: Orphanet 368, MedGen C0017924, MONDO:0009293, OMIM 232600.

Allele frequency attached by ClinVar (database versions not stated): gnomAD exomes below 0.00001; TOPMed below 0.00001.

Submissions (2):

Natera, Inc.
Classification: Likely pathogenic for Glycogen storage disease V. Last evaluated: 2025-03-22. Review status: criteria provided, single submitter. Criteria: Natera Variant Classification Schema (03/2026). Collection method: clinical testing. Allele origin: germline.
Comment: The c.922delA variant in PYGM is a frameshift variant predicted to shift the reading frame beginning at codon 308 and leads to a stop codon 43 codons downstream. This variant is expected to result in nonsense mediated decay, truncation, or a dysfunctional protein product. This variant is rare in the general population with a frequency below the threshold expected for the associated phenotype(s). Given the available evidence, this variant is classified as Likely Pathogenic.

Labcorp Genetics (formerly Invitae), Labcorp
Classification: Pathogenic for Glycogen storage disease, type V. Last evaluated: 2023-04-04. Review status: criteria provided, single submitter. Criteria: Invitae Variant Classification Sherloc (09022015). Collection method: clinical testing. Allele origin: germline.
Comment: This variant is not present in population databases (gnomAD no frequency). This sequence change creates a premature translational stop signal (p.Ile308Serfs*43) in the PYGM gene. It is expected to result in an absent or disrupted protein product. Loss-of-function variants in PYGM are known to be pathogenic (PMID: 8316268, 16786513). This variant has not been reported in the literature in individuals affected with PYGM-related conditions. For these reasons, this variant has been classified as Pathogenic.

Literature cited by the submitters: PubMed 8316268 (cited by Labcorp Genetics (formerly Invitae), Labcorp); PubMed 16786513 (cited by Labcorp Genetics (formerly Invitae), Labcorp).